The following is an entry in ClinVar:

ClinVar aggregate classification (germline): Uncertain significance (1 of 4 stars; one submission).

Allele frequency attached by ClinVar (database versions not stated): ExAC 0.00002; gnomAD 0.00004; gnomAD exomes 0.00004 and 0.00013; TOPMed 0.00004; ESP Exome Variant Server 0.00008.
gnomAD v4.1: 201 of 1,614,064 alleles (0.012%); highest among the groups gnomAD compares: Non-Finnish European, 0.016%; 1 homozygote.

Submission:

Labcorp Genetics (formerly Invitae), Labcorp
Classification: Uncertain significance. Last evaluated: 2022-02-05. Review status: criteria provided, single submitter. Criteria: Invitae Variant Classification Sherloc (09022015). Collection method: clinical testing. Allele origin: germline.
Comment: This sequence change replaces aspartic acid, which is acidic and polar, with glycine, which is neutral and non-polar, at codon 321 of the PCDH12 protein (p.Asp321Gly). This variant is present in population databases (rs370612559, gnomAD 0.008%). This variant has not been reported in the literature in individuals affected with PCDH12-related conditions. Advanced modeling of protein sequence and biophysical properties (such as structural, functional, and spatial information, amino acid conservation, physicochemical variation, residue mobility, and thermodynamic stability) performed at Invitae indicates that this missense variant is not expected to disrupt PCDH12 protein function. Algorithms developed to predict the effect of sequence changes on RNA splicing suggest that this variant may create or strengthen a splice site. In summary, the available evidence is currently insufficient to determine the role of this variant in disease. Therefore, it has been classified as a Variant of Uncertain Significance.

NM_016580.4(PCDH12):c.962A>G (p.Asp321Gly)

Genes: PCDH12 (protocadherin 12; minus strand), RNF14 (ring finger protein 14; plus strand). Cytogenetic location: 5q31.3.
Variant type: single nucleotide variant.
Coding change: c.962A>G on transcript NM_016580.4 (MANE Select); coding-DNA position 962, A replaced by G.
Protein change: p.Asp321Gly; replaces aspartic acid 321 with glycine.
Molecular consequence: missense variant.
Genome position (GRCh38, 1-based): chr5:141,956,890, T>C on the plus strand (A>G on the coding strand, the complement: PCDH12 is on the minus strand). VCF-style: chr5-141956890-T-C. GRCh37 (hg19) VCF-style: chr5-141336455-T-C.
Other names: short protein forms D321G.
Identifiers: ClinVar variation 1371268 (VCV001371268.5), dbSNP rs370612559, ClinGen allele CA3484478.
Genomic context (GRCh38, chr5:141,956,890, plus strand): 5'-TTGATGAGAACTTTGCAATGGGCTGGGATAGGATTGGGACCCAGGTCCCTTGCCTGAACA[T>C]CCACCTCGTAGGCAGGGTTCTTTTCATAGTCTAGAGGTCGACGCAGAATGACCTGGCCTG-3'
Protein context (NP_057664.1, residues 311-331): DYEKNPAYEV[Asp321Gly]VQARDLGPNP